The following is an entry in ClinVar:

NM_022489.4(INF2):c.148T>G (p.Tyr50Asp)

Gene: INF2 (inverted formin 2; plus strand). Cytogenetic location: 14q32.33.
Variant type: single nucleotide variant.
Coding change: c.148T>G on transcript NM_022489.4 (MANE Select); coding-DNA position 148, T replaced by G.
Protein change: p.Tyr50Asp; replaces tyrosine 50 with aspartic acid.
Molecular consequence: missense variant.
Genome position (GRCh38, 1-based): chr14:104,701,513, T>G. VCF-style: chr14-104701513-T-G. GRCh37 (hg19) VCF-style: chr14-105167850-T-G.
Other names: c.148T>G, p.Tyr50Asp (NM_001031714.4, NM_032714.3); short protein forms Y50D.
Identifiers: ClinVar variation 472837 (VCV000472837.10), dbSNP rs1555373261, ClinGen allele CA391225100.

ClinVar aggregate classification (germline): Pathogenic (1 of 4 stars; one submission).

Conditions:
Focal segmental glomerulosclerosis 5 (FSGS5). Identifiers: Orphanet 656, MedGen C2750475, MONDO:0013191, OMIM 613237.
Charcot-Marie-Tooth disease dominant intermediate E. Also called: CHARCOT-MARIE-TOOTH NEUROPATHY WITH FOCAL SEGMENTAL GLOMERULONEPHRITIS. Identifiers: Orphanet 93114, MedGen C4302667, MONDO:0013758, OMIM 614455.

Submission:

Labcorp Genetics (formerly Invitae), Labcorp
Classification: Pathogenic for Charcot-Marie-Tooth disease dominant intermediate E; Focal segmental glomerulosclerosis 5. Last evaluated: 2022-09-27. Review status: criteria provided, single submitter. Criteria: Invitae Variant Classification Sherloc (09022015). Collection method: clinical testing. Allele origin: germline.
Comment: For these reasons, this variant has been classified as Pathogenic. Advanced modeling of protein sequence and biophysical properties (such as structural, functional, and spatial information, amino acid conservation, physicochemical variation, residue mobility, and thermodynamic stability) performed at Invitae indicates that this missense variant is expected to disrupt INF2 protein function. ClinVar contains an entry for this variant (Variation ID: 472837). This missense change has been observed in individuals with clinical features of INF2-related conditions (PMID: 28780565; Invitae). It has also been observed to segregate with disease in related individuals. This variant is not present in population databases (gnomAD no frequency). This sequence change replaces tyrosine, which is neutral and polar, with aspartic acid, which is acidic and polar, at codon 50 of the INF2 protein (p.Tyr50Asp).

Literature cited by the submitters: PubMed 28780565.